The following is an entry in ClinVar:

NM_022552.5(DNMT3A):c.337G>A (p.Gly113Arg)

Gene: DNMT3A (DNA methyltransferase 3 alpha; minus strand). Cytogenetic location: 2p23.3.
Variant type: single nucleotide variant.
Coding change: c.337G>A on transcript NM_022552.5 (MANE Select); coding-DNA position 337, G replaced by A.
Protein change: p.Gly113Arg; replaces glycine 113 with arginine.
Molecular consequence: missense variant. On other transcripts: non-coding transcript variant (1).
Genome position (GRCh38, 1-based): chr2:25,282,552, C>T on the plus strand (G>A on the coding strand, the complement: DNMT3A is on the minus strand). VCF-style: chr2-25282552-C-T. GRCh37 (hg19) VCF-style: chr2-25505421-C-T.
Other names: c.337G>A, p.Gly113Arg (NM_001320892.2, NM_175629.2, NM_175630.1); short protein forms G113R.
Identifiers: ClinVar variation 2197242 (VCV002197242.22), dbSNP rs758151481, ClinGen allele CA1556490.

ClinVar aggregate classification (germline): Conflicting classifications of pathogenicity. Review status: criteria provided, conflicting classifications (1 of 4 stars). 4 submissions from 4 submitters: Uncertain significance (2); Likely benign (1). 1 of the submissions does not count toward it. Last evaluated 2025-05-19.

Conditions:
DNMT3A-related disorder. Also called: DNMT3A-related condition; DNMT3A-related disorders.
Tatton-Brown-Rahman overgrowth syndrome. Also called: Tatton-Brown-Rahman syndrome; Tall stature-intellectual disability-facial dysmorphism syndrome. Identifiers: Orphanet 404443, MedGen C4014545, MONDO:0014382, OMIM 615879.

Allele frequency attached by ClinVar (database versions not stated): ExAC 0.00002; TOPMed 0.00002; gnomAD 0.00003; gnomAD exomes 0.00003.
gnomAD v4.1: 49 of 1,613,292 alleles (0.003%); highest among the groups gnomAD compares: South Asian, 0.0055%; no homozygotes.

Submissions (4):

Labcorp Genetics (formerly Invitae), Labcorp
Classification: Uncertain significance for Tatton-Brown-Rahman overgrowth syndrome. Last evaluated: 2025-05-19. Review status: criteria provided, single submitter. Criteria: Invitae Variant Classification Sherloc (09022015). Collection method: clinical testing. Allele origin: germline.
Comment: This sequence change replaces glycine, which is neutral and non-polar, with arginine, which is basic and polar, at codon 113 of the DNMT3A protein (p.Gly113Arg). This variant is present in population databases (rs758151481, gnomAD 0.006%). This variant has not been reported in the literature in individuals affected with DNMT3A-related conditions. ClinVar contains an entry for this variant (Variation ID: 2197242). Invitae Evidence Modeling of protein sequence and biophysical properties (such as structural, functional, and spatial information, amino acid conservation, physicochemical variation, residue mobility, and thermodynamic stability) has been performed for this missense variant. However, the output from this modeling did not meet the statistical confidence thresholds required to predict the impact of this variant on DNMT3A protein function. In summary, the available evidence is currently insufficient to determine the role of this variant in disease. Therefore, it has been classified as a Variant of Uncertain Significance.

CeGaT Center for Human Genetics Tuebingen
Classification: Likely benign. Last evaluated: 2024-08-01. Review status: criteria provided, single submitter. Criteria: CeGaT Center For Human Genetics Tuebingen Variant Classification Criteria Version 2. Collection method: clinical testing. Allele origin: germline. Affected: yes. Observed: 1 variant allele.
Comment: DNMT3A: BS2

Department of Pathology and Laboratory Medicine, Sinai Health System
Classification: Uncertain significance for Tatton-Brown-Rahman overgrowth syndrome. Last evaluated: 2022-05-27. Review status: criteria provided, single submitter. Criteria: ACMG Guidelines, 2015. Collection method: research. Allele origin: germline.

PreventionGenetics, part of Exact Sciences
Classification: Uncertain significance for DNMT3A-related condition. Last evaluated: 2024-09-20. Review status: no assertion criteria provided. Collection method: clinical testing. Allele origin: germline. Not counted in ClinVar's aggregate classification.
Comment: The DNMT3A c.337G>A variant is predicted to result in the amino acid substitution p.Gly113Arg. To our knowledge, this variant has not been reported in the literature. This variant is reported in 0.0047% of alleles in individuals of European (Non-Finnish) descent in gnomAD. At this time, the clinical significance of this variant is uncertain due to the absence of conclusive functional and genetic evidence.